The following is an entry in ClinVar:

NM_001330260.2(SCN8A):c.2098A>G (p.Ile700Val)

Gene: SCN8A (sodium voltage-gated channel alpha subunit 8; plus strand). Cytogenetic location: 12q13.13.
Variant type: single nucleotide variant.
Coding change: c.2098A>G on transcript NM_001330260.2 (MANE Select); coding-DNA position 2098, A replaced by G.
Protein change: p.Ile700Val; replaces isoleucine 700 with valine.
Molecular consequence: missense variant.
Genome position (GRCh38, 1-based): chr12:51,746,002, A>G. VCF-style: chr12-51746002-A-G. GRCh37 (hg19) VCF-style: chr12-52139786-A-G.
Other names: c.2098A>G, p.Ile700Val (NM_001177984.3, NM_001369788.1, NM_014191.4); short protein forms I700V.
Identifiers: ClinVar variation 859199 (VCV000859199.10), dbSNP rs187153231, ClinGen allele CA384878897.

ClinVar aggregate classification (germline): Uncertain significance (1 of 4 stars; one submission).

Conditions:
Early-infantile DEE. Also called: Early infantile epileptic encephalopathy; Early infantile epileptic encephalopathy with suppression bursts; Ohtahara syndrome. Identifiers: Orphanet 1934, MedGen C0393706, MONDO:0800491.

gnomAD v4.1: 6 of 1,611,586 alleles (0.00037%); highest among the groups gnomAD compares: Non-Finnish European, 0.00051%; no homozygotes.

Submission:

Labcorp Genetics (formerly Invitae), Labcorp
Classification: Uncertain significance for Early-infantile DEE. Last evaluated: 2022-11-24. Review status: criteria provided, single submitter. Criteria: Invitae Variant Classification Sherloc (09022015). Collection method: clinical testing. Allele origin: germline.
Comment: In summary, the available evidence is currently insufficient to determine the role of this variant in disease. Therefore, it has been classified as a Variant of Uncertain Significance. Advanced modeling of protein sequence and biophysical properties (such as structural, functional, and spatial information, amino acid conservation, physicochemical variation, residue mobility, and thermodynamic stability) performed at Invitae indicates that this missense variant is not expected to disrupt SCN8A protein function. ClinVar contains an entry for this variant (Variation ID: 859199). This variant has not been reported in the literature in individuals affected with SCN8A-related conditions. This variant is not present in population databases (gnomAD no frequency). This sequence change replaces isoleucine, which is neutral and non-polar, with valine, which is neutral and non-polar, at codon 700 of the SCN8A protein (p.Ile700Val).